The following is an entry in ClinVar:

NM_020433.5(JPH2):c.470C>T (p.Ser157Leu)

Gene: JPH2 (junctophilin 2; minus strand). Cytogenetic location: 20q13.12.
Variant type: single nucleotide variant.
Coding change: c.470C>T on transcript NM_020433.5 (MANE Select); coding-DNA position 470, C replaced by T.
Protein change: p.Ser157Leu; replaces serine 157 with leucine.
Molecular consequence: missense variant.
Genome position (GRCh38, 1-based): chr20:44,160,317, G>A on the plus strand (C>T on the coding strand, the complement: JPH2 is on the minus strand). VCF-style: chr20-44160317-G-A. GRCh37 (hg19) VCF-style: chr20-42788957-G-A.
Other names: short protein forms S157L.
Identifiers: ClinVar variation 1742589 (VCV001742589.10), dbSNP rs772526418, ClinGen allele CA9868835.
Genomic context (GRCh38, chr20:44,160,317, plus strand): 5'-GGGGCCACCGTGCCGTTGCTGTGCTCGCTGCGCAGGGACGACAGCGACGTGCGCAGCGGC[G>A]AGCGCACCACCACGGCCATCCCGTAGGGCACGCTCTGGCGTACTCCGTAGCCATGGCGCA-3'
Protein context (NP_065166.2, residues 147-167): VPYGMAVVVR[Ser157Leu]PLRTSLSSLR

ClinVar aggregate classification (germline): Uncertain significance. Review status: criteria provided, multiple submitters, no conflicts (2 of 4 stars). 3 submissions from 3 submitters: Uncertain significance (3). Last evaluated 2025-07-15.

Conditions:
Cardiovascular phenotype. Identifiers: MedGen CN230736.
Hypertrophic cardiomyopathy. Also called: HYPERTROPHIC MYOCARDIOPATHY. Identifiers: Orphanet 217569, MedGen C0007194, MeSH D002312, MONDO:0005045, HP:0001639.

Allele frequency attached by ClinVar (database versions not stated): ExAC 0.00006.
gnomAD v4.1: 17 of 1,562,996 alleles (0.0011%); highest among the groups gnomAD compares: South Asian, 0.018%; no homozygotes.

Submissions (3):

Labcorp Genetics (formerly Invitae), Labcorp
Classification: Uncertain significance for Hypertrophic cardiomyopathy. Last evaluated: 2025-07-15. Review status: criteria provided, single submitter. Criteria: Invitae Variant Classification Sherloc (09022015). Collection method: clinical testing. Allele origin: germline.
Comment: This sequence change replaces serine, which is neutral and polar, with leucine, which is neutral and non-polar, at codon 157 of the JPH2 protein (p.Ser157Leu). The frequency data for this variant in the population databases is considered unreliable, as metrics indicate poor data quality at this position in the gnomAD database. This variant has not been reported in the literature in individuals affected with JPH2-related conditions. ClinVar contains an entry for this variant (Variation ID: 1742589). An algorithm developed to predict the effect of missense changes on protein structure and function (PolyPhen-2) suggests that this variant is likely to be disruptive. In summary, the available evidence is currently insufficient to determine the role of this variant in disease. Therefore, it has been classified as a Variant of Uncertain Significance.

Ambry Genetics
Classification: Uncertain significance for Cardiovascular phenotype. Last evaluated: 2022-05-02. Review status: criteria provided, single submitter. Criteria: Ambry Variant Classification Scheme 2023. Collection method: clinical testing. Allele origin: germline.
Comment: The p.S157L variant (also known as c.470C>T), located in coding exon 2 of the JPH2 gene, results from a C to T substitution at nucleotide position 470. The serine at codon 157 is replaced by leucine, an amino acid with dissimilar properties. This amino acid position is conserved. In addition, the in silico prediction for this alteration is inconclusive. Since supporting evidence is limited at this time, the clinical significance of this alteration remains unclear.

Revvity Omics, Revvity
Classification: Uncertain significance. Last evaluated: 2019-04-26. Review status: criteria provided, single submitter. Criteria: ACMG Guidelines, 2015. Collection method: clinical testing. Allele origin: germline.